The following is an entry in ClinVar:

NM_000046.5(ARSB):c.896C>T (p.Thr299Ile)

Gene: ARSB (arylsulfatase B; minus strand). Cytogenetic location: 5q14.1.
Variant type: single nucleotide variant.
Coding change: c.896C>T on transcript NM_000046.5 (MANE Select); coding-DNA position 896, C replaced by T.
Protein change: p.Thr299Ile; replaces threonine 299 with isoleucine.
Molecular consequence: missense variant.
Genome position (GRCh38, 1-based): chr5:78,955,297, G>A on the plus strand (C>T on the coding strand, the complement: ARSB is on the minus strand). VCF-style: chr5-78955297-G-A. GRCh37 (hg19) VCF-style: chr5-78251120-G-A.
Other names: c.896C>T, p.Thr299Ile (NM_198709.3); short protein forms T299I.
Identifiers: ClinVar variation 1470587 (VCV001470587.8), dbSNP rs2112483313, ClinGen allele CA360191888.

ClinVar aggregate classification (germline): Uncertain significance (1 of 4 stars; one submission).

Conditions:
Mucopolysaccharidosis type 6 (MPS6). Also called: MPS VI; ARSB DEFICIENCY; ARYLSULFATASE B DEFICIENCY; MPS 6; Maroteaux Lamy syndrome; N-ACETYLGALACTOSAMINE-4-SULFATASE DEFICIENCY. Identifiers: Orphanet 583, MedGen C0026709, MONDO:0009661, OMIM 253200.

Allele frequency attached by ClinVar (database versions not stated): gnomAD exomes below 0.00001.
gnomAD v4.1: 1 of 1,614,124 alleles (0.000062%); highest among the groups gnomAD compares: Non-Finnish European, 0.000085%; no homozygotes.

Submission:

Labcorp Genetics (formerly Invitae), Labcorp
Classification: Uncertain significance for Mucopolysaccharidosis type 6. Last evaluated: 2021-06-26. Review status: criteria provided, single submitter. Criteria: Invitae Variant Classification Sherloc (09022015). Collection method: clinical testing. Allele origin: germline.
Comment: This sequence change replaces threonine with isoleucine at codon 299 of the ARSB protein (p.Thr299Ile). The threonine residue is highly conserved and there is a moderate physicochemical difference between threonine and isoleucine. This variant is not present in population databases (ExAC no frequency). This variant has been observed in individual(s) with mucopolysaccharidosis type VI (Invitae). Algorithms developed to predict the effect of missense changes on protein structure and function are either unavailable or do not agree on the potential impact of this missense change (SIFT: "Deleterious"; PolyPhen-2: "Probably Damaging"; Align-GVGD: "Class C0"). In summary, the available evidence is currently insufficient to determine the role of this variant in disease. Therefore, it has been classified as a Variant of Uncertain Significance.